The following is an entry in ClinVar:

NM_002180.3(IGHMBP2):c.388C>T (p.Arg130Ter)

Gene: IGHMBP2 (immunoglobulin mu DNA binding protein 2; plus strand). Cytogenetic location: 11q13.3.
Variant type: single nucleotide variant.
Coding change: c.388C>T on transcript NM_002180.3 (MANE Select); coding-DNA position 388, C replaced by T.
Protein change: p.Arg130Ter; replaces arginine 130 with a stop codon.
Molecular consequence: nonsense.
Genome position (GRCh38, 1-based): chr11:68,908,276, C>T. VCF-style: chr11-68908276-C-T. GRCh37 (hg19) VCF-style: chr11-68675744-C-T.
Other names: short protein forms R130*.
Identifiers: ClinVar variation 637263 (VCV000637263.12), dbSNP rs972425138, ClinGen allele CA223385758.

ClinVar aggregate classification (germline): Pathogenic/Likely pathogenic. Review status: criteria provided, multiple submitters, no conflicts (2 of 4 stars). 5 submissions from 5 submitters: Pathogenic (3); Likely pathogenic (1). 1 of the submissions does not count toward it. Last evaluated 2024-05-21.

Conditions:
Spinal muscular atrophy (SMA). Identifiers: MedGen C0026847, MeSH D009134, MONDO:0001516, HP:0007269.
Neuronopathy, distal hereditary motor, autosomal dominant. Also called: Autosomal dominant distal hereditary motor neuropathy. Identifiers: Orphanet 140465, MedGen C5548212, MONDO:0015362.
Autosomal recessive distal spinal muscular atrophy 1. Also called: NEURONOPATHY, DISTAL HEREDITARY MOTOR, HARDING TYPE VI; NEUROPATHY, DISTAL HEREDITARY MOTOR, AUTOSOMAL RECESSIVE 1; HMN VI; NEURONOPATHY, SEVERE INFANTILE AXONAL, WITH RESPIRATORY FAILURE; SEVERE INFANTILE AXONAL NEUROPATHY WITH RESPIRATORY FAILURE; SPINAL MUSCULAR ATROPHY, DIAPHRAGMATIC. Identifiers: Orphanet 98920, MedGen C1858517, MONDO:0011436, OMIM 604320.
Charcot-Marie-Tooth disease axonal type 2S. Also called: CHARCOT-MARIE-TOOTH NEUROPATHY, TYPE 2S; CHARCOT-MARIE-TOOTH DISEASE, AXONAL, AUTOSOMAL RECESSIVE, TYPE 2S. Identifiers: Orphanet 443073, MedGen C4015349, MONDO:0014511, OMIM 616155.

Submissions (5):

Fulgent Genetics
Classification: Pathogenic for Autosomal recessive distal spinal muscular atrophy 1; Charcot-Marie-Tooth disease axonal type 2S. Last evaluated: 2024-05-21. Review status: criteria provided, single submitter. Criteria: ACMG Guidelines, 2015. Collection method: clinical testing. Allele origin: germline.

Labcorp Genetics (formerly Invitae), Labcorp
Classification: Pathogenic for Autosomal recessive distal spinal muscular atrophy 1; Charcot-Marie-Tooth disease axonal type 2S. Last evaluated: 2024-02-23. Review status: criteria provided, single submitter. Criteria: Invitae Variant Classification Sherloc (09022015). Collection method: clinical testing. Allele origin: germline.
Comment: This sequence change creates a premature translational stop signal (p.Arg130*) in the IGHMBP2 gene. It is expected to result in an absent or disrupted protein product. Loss-of-function variants in IGHMBP2 are known to be pathogenic (PMID: 14681881, 25439726, 25568292). This variant is not present in population databases (gnomAD no frequency). This premature translational stop signal has been observed in individual(s) with clinical features of IGHMBP2-related conditions (PMID: 14681881, 16964485). ClinVar contains an entry for this variant (Variation ID: 637263). For these reasons, this variant has been classified as Pathogenic.

Rady Children's Institute for Genomic Medicine, Rady Children's Hospital San Diego
Classification: Pathogenic for SPINAL MUSCULAR ATROPHY. Last evaluated: 2019-06-17. Review status: criteria provided, single submitter. Criteria: ACMG Guidelines, 2015. Collection method: clinical testing. Allele origin: germline. Affected: yes.
Comment: This frameshifting variant in exon 3 of 15 introduces a premature stop codon and is therefore predicted to result in loss of normal protein function. This variant has been previously reported as a compound heterozygous change in two unrelated patients and as a homozygous change in one patient, all reported with Spinal Muscular Atrophy with Respiratory Distress Type 1 (SMARD1) (PMID: 14681881, 16964485). The p.Arg130Ter variant is absent from the ExAC and gnomAD population databases and thus is presumed to be rare. Based on the available evidence, the c.388C>T (p.Arg130Ter) variant is classified as Pathogenic.

Centre for Mendelian Genomics, University Medical Centre Ljubljana
Classification: Likely pathogenic for Autosomal recessive distal spinal muscular atrophy 1. Last evaluated: 2016-01-01. Review status: criteria provided, single submitter. Criteria: ACMG Guidelines, 2015. Collection method: clinical testing. Allele origin: unknown. Affected: yes.
Comment: This variant was classified as: Likely pathogenic. The following ACMG criteria were applied in classifying this variant: Ps1,PM2,PP3.

Inherited Neuropathy Consortium
Classification: Uncertain significance for Autosomal dominant distal hereditary motor neuropathy. Review status: no assertion criteria provided. Collection method: literature only. Allele origin: germline. Affected: yes. Not counted in ClinVar's aggregate classification.

Literature cited by the submitters: PubMed 14681881 (cited by Labcorp Genetics (formerly Invitae), Labcorp and Inherited Neuropathy Consortium); PubMed 25439726 (cited by Labcorp Genetics (formerly Invitae), Labcorp); PubMed 25568292 (cited by Labcorp Genetics (formerly Invitae), Labcorp); PubMed 16964485 (cited by Labcorp Genetics (formerly Invitae), Labcorp).